The following is an entry in ClinVar:

ClinVar aggregate classification (germline): Pathogenic. Review status: criteria provided, multiple submitters, no conflicts (2 of 4 stars). 2 submissions from 2 submitters: Pathogenic (2). Last evaluated 2022-02-06.

Conditions:
Tuberous sclerosis 1 (TSC1). Identifiers: Orphanet 805, MedGen C1854465, MONDO:0008612, OMIM 191100.

Submissions (2):

Labcorp Genetics (formerly Invitae), Labcorp
Classification: Pathogenic for Tuberous sclerosis 1. Last evaluated: 2022-02-06. Review status: criteria provided, single submitter. Criteria: Invitae Variant Classification Sherloc (09022015). Collection method: clinical testing. Allele origin: germline.
Comment: This sequence change creates a premature translational stop signal (p.Pro196Leufs*14) in the TSC1 gene. It is expected to result in an absent or disrupted protein product. Loss-of-function variants in TSC1 are known to be pathogenic (PMID: 10227394, 17304050). This variant is not present in population databases (gnomAD no frequency). For these reasons, this variant has been classified as Pathogenic. ClinVar contains an entry for this variant (Variation ID: 207645). This premature translational stop signal has been observed in individual(s) with clinical features of tuberous sclerosis complex (PMID: 29655203).

GeneDx
Classification: Pathogenic. Last evaluated: 2014-07-23. Review status: criteria provided, single submitter. Criteria: GeneDx Variant Classification (06012015). Collection method: clinical testing. Allele origin: germline. Affected: yes.
Comment: c.587delC: p.Pro196LeufsX14 (P196LfsX14) in exon 7 of the TSC1 gene (NM_000368.4). The normal sequence with the base that is deleted in braces is: TACC{C}TTGC. The c.587delC mutation in the TSC1 gene causes a frameshift starting with codon Proline 196, changes this amino acid to a Leucine residue and creates a premature Stop codon at position 14 of the new reading frame, denoted p.Pro196LeufsX14. This mutation is predicted to cause loss of normal protein function either through protein truncation or nonsense-mediated mRNA decay. Although this mutation has not been previously reported to our knowledge, other frameshift mutations have been reported in the TSC1 gene in association with tuberous sclerosis complex (TSC). Therefore, the presence of the c.587delC mutation is consistent with a diagnosis of TSC. The variant is found in INFANT-EPI panel(s).

Literature cited by the submitters: PubMed 10227394 (cited by Labcorp Genetics (formerly Invitae), Labcorp); PubMed 17304050 (cited by Labcorp Genetics (formerly Invitae), Labcorp); PubMed 29655203 (cited by Labcorp Genetics (formerly Invitae), Labcorp).

NM_000368.5(TSC1):c.587del (p.Pro196fs)

Gene: TSC1 (TSC complex subunit 1; minus strand). Cytogenetic location: 9q34.13.
Variant type: Deletion.
Coding change: c.587del on transcript NM_000368.5 (MANE Select); coding-DNA position 587, one base deleted (C; older notation c.587delC).
Protein change: p.Pro196fs; shifts the reading frame from proline 196.
Molecular consequence: frameshift variant.
Genome position (GRCh38, 1-based): chr9:132,921,895, G deleted on the plus strand (C on the coding strand, the reverse complement: TSC1 is on the minus strand); the first of 3 consecutive G bases (chr9:132,921,895-132,921,897); deleting any one gives the same sequence. VCF-style (leftmost placement, unchanged base first): chr9-132921894-AG-A. GRCh37 (hg19) VCF-style: chr9-135797281-AG-A.
Other names: c.587delC (NM_000368.4); c.587del, p.Pro196fs (NM_001162426.2); c.434del, p.Pro145fs (NM_001162427.2); c.224del, p.Pro75fs (NM_001362177.2); short protein forms P196fs, P145fs, P75fs.
Identifiers: ClinVar variation 207645 (VCV000207645.5), dbSNP rs796053464, ClinGen allele CA319327.